The following continues an entry in ClinVar:

NM_020745.4(AARS2):c.1774C>T (p.Arg592Trp)

Gene: AARS2. ClinVar aggregate classification (germline): Pathogenic/Likely pathogenic. Pathogenic (15); Likely pathogenic (3).

Submissions 12 to 19 of 19:

Ambry Genetics
Classification: Pathogenic for Inborn genetic diseases. Last evaluated: 2022-03-25. Review status: criteria provided, single submitter. Criteria: Ambry Variant Classification Scheme 2023. Collection method: clinical testing. Allele origin: germline.
Comment: The c.1774C>T (p.R592W) alteration is located in exon 13 of the AARS2 gene. This alteration results from a C to T substitution at nucleotide position 1774, causing the arginine (R) at amino acid position 592 to be replaced by a tryptophan (W). Based on data from gnomAD, the T allele has an overall frequency of 0.02% (64/282172) total alleles studied. The highest observed frequency was 0.04% (52/128596) of European (non-Finnish) alleles. This alteration is a recurrent pathogenic mutation reported in multiple unrelated patients and several siblings with a severe infantile mitochondrial hypertrophic cardiomyopathy phenotype (G&ouml;tz, 2011; Taylor, 2014; Kamps, 2018). This amino acid position is not well conserved in available vertebrate species. The p.R592 amino acid is located in the editing domain of mtAlaRS. Protein modeling studies suggest that this residue is surface exposed and that may be involved in specific recognition and/or binding of mischarged mitochondrial tRNAAla in the editing domain (Gotz, 2011). Structural analysis predicts that this alteration will reduce the aminoacylation activity of the synthetase, because all mtAlaRS domains contribute to tRNA binding for aminoacylation (Euro, 2015). This alteration is predicted to be tolerated by in silico analysis. Based on the available evidence, this alteration is classified as pathogenic.

Victorian Clinical Genetics Services, Murdoch Childrens Research Institute
Classification: Pathogenic for Combined oxidative phosphorylation defect type 8. Last evaluated: 2021-05-06. Review status: criteria provided, single submitter. Criteria: ACMG Guidelines, 2015. Collection method: clinical testing. Allele origin: germline. Inheritance: Autosomal recessive inheritance.
Comment: Based on the classification scheme VCGS_Germline_v1.3.4, this variant is classified as pathogenic. Following criteria are met: 0102 - Loss of function is a likely mechanism of disease in this gene and is associated with combined oxidative phosphorylation deficiency 8 (MIM#614096) and leukoencephalopathy, progressive, with ovarian failure (MIM#615889) (PMIDs: 28633377, 30285085, 24808023). (I) 0106 - This gene is associated with autosomal recessive disease. (I) 0200 - Variant is predicted to result in a missense amino acid change from arginine to tryptophan. (I) 0251 - This variant is heterozygous. (I) 0304 - Variant is present in gnomAD (v2) <0.01 for a recessive condition (64 heterozygotes, 0 homozygotes). (SP) 0309 - An alternative amino acid change at the same position has been observed in gnomAD (v3) (p.R592Q: 4 heterozygotes, 0 homozygotes). (I) 0502 - Missense variant with conflicting in silico predictions and uninformative conservation. (I) 0600 - Variant is located in the annotated editing domain (PMID: 25705216). (I) 0801 - This variant has strong previous evidence of pathogenicity in unrelated individuals. This variant is a recurrent founder mutation and has been reported as homozygous or compound heterozygous in multiple individuals with severe infantile cardiomyopathy (PMIDs: 21549344, 25058219, 25705216). (SP) 1002 - This variant has moderate functional evidence supporting abnormal protein function. Cytochrome c oxidase (COX) activity was severely reduced in heart and skeletal muscles of a deceased patient homozygous for the p.R592W variant. Blue-native electrophoresis of mitochondrial respiratory chain complexes demonstrated severely reduced COX and complex I (CI) in the heart, severe COX deficiency and CI reduction in the brain, and partial complex III deficiency in both tissues (PMID: 21549344). (SP) 1201 - Heterozygous variant detected in trans with a second pathogenic heterozygous variant (NM_020745.3:c.647dupG ; p.Cys218Leufs*6) in a recessive disease. (I) Legend: (SP) - Supporting pathogenic, (I) - Information, (SB) - Supporting benign

Institute of Human Genetics, University of Leipzig Medical Center
Classification: Pathogenic for Leukoencephalopathy, progressive, with ovarian failure. Last evaluated: 2021-03-26. Review status: criteria provided, single submitter. Criteria: ACMG Guidelines, 2015. Collection method: clinical testing. Allele origin: unknown. Inheritance: Autosomal recessive inheritance. Affected: yes.
Comment: Criteria applied: PM3_VSTR,PS3_SUP,PM2_SUP

Pediatric Genomics Discovery Program, Yale University
Classification: Likely pathogenic for Pulmonary hypoplasia. Last evaluated: 2019-02-04. Review status: criteria provided, single submitter. Criteria: ACMG Guidelines, 2015. Collection method: research. Allele origin: paternal. Affected: yes. Observed: 2 compound heterozygotes. Clinical features observed: Polyhydramnios (HP:0001561), Non-immune hydrops fetalis (HP:0001790), Pleural effusion (HP:0002202), Pericardial effusion (HP:0001698), Mixed respiratory and metabolic acidosis (HP:0005967), thickening of the cardiac intraventricular septum.

Laboratory for Molecular Medicine, Mass General Brigham Personalized Medicine
Classification: Pathogenic for Combined oxidative phosphorylation defect type 8. Last evaluated: 2018-08-06. Review status: criteria provided, single submitter. Criteria: LMM Criteria. Collection method: clinical testing. Allele origin: germline. Inheritance: Autosomal recessive inheritance. Observed: 1 variant allele.
Comment: The p.Arg592Trp variant in AARS2 has been reported in the homozygous or in the c ompound heterozygous state with loss-of-function or rare missense variants in 12 individuals with combined oxidative phosphorylation deficiency 8 with severe hy pertrophic cardiomyopathy, and segregated with disease in 1 affected family memb er (Gotz 2011, Calvo 2012, Taylor 2014, Euro 2015, Mazurova 2017, Kamps 2018). I t also segregated with disease in the affected twin siblings of two of the proba nds; however, it was not specified if these were identical or fraternal twins (E uro 2015, Kamps 2018). It has also been identified in 0.04% (48/126154) of Europ ean chromosomes by the Genome Aggregation Database (gnomAD). Although this variant has been seen in the general population, it s frequency is low enough to be consistent with a recessive carrier frequency. C omputational prediction tools and conservation analysis do not provide strong su pport for or against an impact to the protein, though structural modeling sugges ts this variant may have an impact on protein function (Euro 2015). In summary, this variant meets criteria to be classified as pathogenic for autosomal recessi ve combined oxidative phosphorylation deficiency 8 based on case observations, s egregation studies, and predicted impact on protein. ACMG/AMP criteria applied: ACMG/AMP criteria applied: PM3_VeryStrong, PM2_Supporting, PP1.

Institute of Human Genetics Munich, TUM University Hospital
Classification: Pathogenic for Combined oxidative phosphorylation defect type 8. Last evaluated: 2017-09-08. Review status: criteria provided, single submitter. Criteria: Classification criteria August 2017. Collection method: clinical testing. Allele origin: maternal, paternal. Inheritance: Autosomal recessive inheritance. Affected: yes. Observed: 4 compound heterozygotes.

Juno Genomics, Hangzhou Juno Genomics, Inc
Classification: Pathogenic for Combined oxidative phosphorylation defect type 8; Leukoencephalopathy, progressive, with ovarian failure. Review status: criteria provided, single submitter. Criteria: ACMG Guidelines, 2015. Collection method: clinical testing. Allele origin: germline.
Comment: Absent from controls (or at extremely low frequency if recessive) in Genome Aggregation Database.;For recessive disorders, detected in trans with a pathogenic variant.;Co-segregation with disease in multiple affected family members.

OMIM
Classification: Pathogenic for COMBINED OXIDATIVE PHOSPHORYLATION DEFICIENCY 8. Last evaluated: 2014-07-02. Review status: no assertion criteria provided. Collection method: literature only. Allele origin: germline. Not counted in ClinVar's aggregate classification.

Literature cited by the submitters: PubMed 21549344 (cited by 8 submitters); PubMed 22277967 (cited by 4 submitters); PubMed 25058219 (cited by 8 submitters); PubMed 25705216 (cited by 6 submitters); PubMed 29440775 (cited by 4 submitters); PubMed 30819764 (cited by Molecular Genetics, Royal Melbourne Hospital); PubMed 24808023 (cited by Victorian Clinical Genetics Services, Murdoch Childrens Research Institute); PubMed 28633377 (cited by Victorian Clinical Genetics Services, Murdoch Childrens Research Institute); PubMed 30285085 (cited by Victorian Clinical Genetics Services, Murdoch Childrens Research Institute); PubMed 27839525 (cited by Laboratory for Molecular Medicine, Mass General Brigham Personalized Medicine).